The following is an entry in ClinVar:

NM_015175.3(NBEAL2):c.2953C>T (p.Arg985Ter)

Gene: NBEAL2 (neurobeachin like 2; plus strand). Cytogenetic location: 3p21.31.
Variant type: single nucleotide variant.
Coding change: c.2953C>T on transcript NM_015175.3 (MANE Select); coding-DNA position 2953, C replaced by T.
Protein change: p.Arg985Ter; replaces arginine 985 with a stop codon.
Molecular consequence: nonsense.
Genome position (GRCh38, 1-based): chr3:46,997,689, C>T. VCF-style: chr3-46997689-C-T. GRCh37 (hg19) VCF-style: chr3-47039179-C-T.
Other names: c.2851C>T, p.Arg951Ter (NM_001365116.2); short protein forms R951*, R985*.
Identifiers: ClinVar variation 4277723 (VCV004277723.2).

ClinVar aggregate classification (germline): Pathogenic/Likely pathogenic. Review status: criteria provided, multiple submitters, no conflicts (2 of 4 stars). 2 submissions from 2 submitters: Pathogenic (1); Likely pathogenic (1). Last evaluated 2026-09-02.

Conditions:
NBEAL2-related disorder. Also called: NBEAL2-related condition.
Gray platelet syndrome (GPS). Also called: BLEEDING DISORDER, PLATELET-TYPE, 4. Identifiers: Orphanet 721, MedGen C0272302, MONDO:0007686, OMIM 139090.

gnomAD v4.1: 5 of 1,526,794 alleles (0.00033%); highest among the groups gnomAD compares: Admixed American, 0.0021%; no homozygotes.

Submissions (2):

PreventionGenetics, part of Exact Sciences
Classification: Likely pathogenic for NBEAL2-related condition. Last evaluated: 2026-09-02. Review status: criteria provided, single submitter. Criteria: ACMG Guidelines, 2015. Collection method: clinical testing. Allele origin: germline.
Comment: The NBEAL2 c.2953C>T variant is predicted to result in premature protein termination (p.Arg985*). To our knowledge, this variant has not been reported in the literature. This variant is reported in 0.0044% of alleles in individuals of Latino descent in gnomAD. Nonsense variants in NBEAL2 are expected to be pathogenic. This variant is interpreted as likely pathogenic.

Genomic Medicine Center of Excellence, King Faisal Specialist Hospital and Research Centre
Classification: Pathogenic for Gray platelet syndrome. Last evaluated: 2025-09-10. Review status: criteria provided, single submitter. Criteria: ACMG Guidelines, 2015. Collection method: clinical testing. Allele origin: germline.